The following is an entry in ClinVar:

ClinVar aggregate classification (germline): Conflicting classifications of pathogenicity. Review status: criteria provided, conflicting classifications (1 of 4 stars). 9 submissions from 9 submitters: Uncertain significance (1); Benign (2); Likely benign (3). 3 of the submissions do not count toward it. Last evaluated 2026-02-03.

Conditions:
Hypertrophic cardiomyopathy 26. Also called: Cardiomyopathy, familial hypertrophic, 26. Identifiers: Orphanet 75249, MedGen C4310749, MONDO:0014883, OMIM 617047.
Distal myopathy with posterior leg and anterior hand involvement. Also called: WILLIAMS DISTAL MYOPATHY. Identifiers: Orphanet 63273, MedGen C3279722, MONDO:0013550, OMIM 614065.
Myofibrillar myopathy 5. Also called: Filaminopathy (type); FILAMINOPATHY, AUTOSOMAL DOMINANT. Identifiers: Orphanet 171445, MedGen C1836050, MONDO:0012289, OMIM 609524.

Allele frequency attached by ClinVar (database versions not stated): gnomAD exomes 0.00062 and 0.00077; ESP Exome Variant Server 0.00080; ExAC 0.00120; gnomAD 0.00126 and 0.00127; TOPMed 0.00176; 1000 Genomes Project 30x 0.00219; 1000 Genomes Project 0.00240.
gnomAD v4.1: 1,138 of 1,586,242 alleles (0.072%); highest among the groups gnomAD compares: Middle Eastern, 0.42%; 4 homozygotes.

Submissions (9):

Labcorp Genetics (formerly Invitae), Labcorp
Classification: Benign for Distal myopathy with posterior leg and anterior hand involvement; Myofibrillar myopathy 5; Hypertrophic cardiomyopathy 26. Last evaluated: 2026-02-03. Review status: criteria provided, single submitter. Criteria: Invitae Variant Classification Sherloc (09022015). Collection method: clinical testing. Allele origin: germline.

CeGaT Center for Human Genetics Tuebingen
Classification: Likely benign. Last evaluated: 2026-02-01. Review status: criteria provided, single submitter. Criteria: CeGaT Center For Human Genetics Tuebingen Variant Classification Criteria Version 2. Collection method: clinical testing. Allele origin: germline. Affected: yes. Observed: 10 variant alleles.
Comment: FLNC: BS1

Blueprint Genetics
Classification: Likely benign. Last evaluated: 2024-11-15. Review status: criteria provided, single submitter. Criteria: ACMG Guidelines, 2015. Collection method: clinical testing. Allele origin: germline.

Women's Health and Genetics/Laboratory Corporation of America, LabCorp
Classification: Benign. Last evaluated: 2023-11-27. Review status: criteria provided, single submitter. Criteria: LabCorp Variant Classification Summary - May 2015. Collection method: clinical testing. Allele origin: germline.

Eurofins Ntd Llc (ga)
Classification: Uncertain significance. Last evaluated: 2016-08-24. Review status: criteria provided, single submitter. Criteria: EGL Classification Definitions 2015. Collection method: clinical testing. Allele origin: germline. Observed: 1 variant allele, 1 heterozygote.

GeneDx
Classification: Likely benign. Last evaluated: 2016-07-07. Review status: criteria provided, single submitter. Criteria: GeneDx Variant Classification (06012015). Collection method: clinical testing. Allele origin: germline. Affected: yes.
Comment: This variant is considered likely benign or benign based on one or more of the following criteria: it is a conservative change, it occurs at a poorly conserved position in the protein, it is predicted to be benign by multiple in silico algorithms, and/or has population frequency not consistent with disease.

Clinical Genetics, Academic Medical Center
Classification: Benign. Review status: no assertion criteria provided. Collection method: clinical testing. Allele origin: germline. Affected: yes. Study: VKGL Data-share Consensus. Not counted in ClinVar's aggregate classification.

Genome Diagnostics Laboratory, University Medical Center Utrecht
Classification: Likely benign. Review status: no assertion criteria provided. Collection method: clinical testing. Allele origin: germline. Affected: yes. Study: VKGL Data-share Consensus. Not counted in ClinVar's aggregate classification.

Joint Genome Diagnostic Labs from Nijmegen and Maastricht, Radboudumc and MUMC+
Classification: Likely benign. Review status: no assertion criteria provided. Collection method: clinical testing. Allele origin: germline. Affected: yes. Study: VKGL Data-share Consensus. Not counted in ClinVar's aggregate classification.

NM_001458.5(FLNC):c.1813+11G>T

Gene: FLNC (filamin C; plus strand). Cytogenetic location: 7q32.1.
Variant type: single nucleotide variant.
Coding change: c.1813+11G>T on transcript NM_001458.5 (MANE Select); 11 bases into the intron after coding-DNA position 1813, G replaced by T.
Molecular consequence: intron variant.
Genome position (GRCh38, 1-based): chr7:128,840,981, G>T. VCF-style: chr7-128840981-G-T. GRCh37 (hg19) VCF-style: chr7-128481035-G-T.
Other names: c.1813+11G>T (NM_001127487.2).
Identifiers: ClinVar variation 290512 (VCV000290512.45), dbSNP rs138716837, ClinGen allele CA4474483.
Genomic context (GRCh38, chr7:128,840,981, plus strand): 5'-GTCAGCCGATTTTGTGGTGGAAGCCATTGGCACCGAGGTGGGGACACTGGGTAAGTGGCT[G>T]GGGGGCAGGAGGAGGGAGTGCTGCGGGGGAGGGCAGCAGGGGACACTGTGGGTAATGGGT-3'